The following is an entry in ClinVar:

ClinVar aggregate classification (germline): Uncertain significance (1 of 4 stars; one submission).

Allele frequency attached by ClinVar (database versions not stated): gnomAD exomes below 0.00001.

Submission:

Labcorp Genetics (formerly Invitae), Labcorp
Classification: Uncertain significance. Last evaluated: 2022-08-16. Review status: criteria provided, single submitter. Criteria: Invitae Variant Classification Sherloc (09022015). Collection method: clinical testing. Allele origin: germline.
Comment: This variant is present in population databases (no rsID available, gnomAD 0.006%). This sequence change replaces valine, which is neutral and non-polar, with leucine, which is neutral and non-polar, at codon 2919 of the PCLO protein (p.Val2919Leu). This variant has not been reported in the literature in individuals affected with PCLO-related conditions. In summary, the available evidence is currently insufficient to determine the role of this variant in disease. Therefore, it has been classified as a Variant of Uncertain Significance. Algorithms developed to predict the effect of missense changes on protein structure and function are either unavailable or do not agree on the potential impact of this missense change (SIFT: "Deleterious"; PolyPhen-2: "Not Available"; Align-GVGD: "Class C0"). ClinVar contains an entry for this variant (Variation ID: 1354043).

NM_033026.6(PCLO):c.8755G>T (p.Val2919Leu)

Gene: PCLO (piccolo presynaptic cytomatrix protein; minus strand). Cytogenetic location: 7q21.11.
Variant type: single nucleotide variant.
Coding change: c.8755G>T on transcript NM_033026.6 (MANE Select); coding-DNA position 8755, G replaced by T.
Protein change: p.Val2919Leu; replaces valine 2919 with leucine.
Molecular consequence: missense variant.
Genome position (GRCh38, 1-based): chr7:82,952,198, C>A on the plus strand (G>T on the coding strand, the complement: PCLO is on the minus strand). VCF-style: chr7-82952198-C-A. GRCh37 (hg19) VCF-style: chr7-82581514-C-A.
Other names: c.8755G>T, p.Val2919Leu (NM_014510.3); short protein forms V2919L.
Identifiers: ClinVar variation 1354043 (VCV001354043.8), dbSNP rs1169900058, ClinGen allele CA367910144.